The following is an entry in ClinVar:

NM_015932.6(POMP):c.58T>C (p.Ser20Pro)

Gene: POMP (proteasome maturation protein; plus strand). Cytogenetic location: 13q12.3.
Variant type: single nucleotide variant.
Coding change: c.58T>C on transcript NM_015932.6 (MANE Select); coding-DNA position 58, T replaced by C.
Protein change: p.Ser20Pro; replaces serine 20 with proline.
Molecular consequence: missense variant.
Genome position (GRCh38, 1-based): chr13:28,662,464, T>C. VCF-style: chr13-28662464-T-C. GRCh37 (hg19) VCF-style: chr13-29236601-T-C.
Other names: short protein forms S20P.
Identifiers: ClinVar variation 2974201 (VCV002974201.3), dbSNP rs1307469061, ClinGen allele CA387802163.
Genomic context (GRCh38, chr13:28,662,464, plus strand): 5'-TTGTAGAATGCCAGAGGACTTGGATCTGAGCTAAAGGACAGTATTCCAGTTACTGAACTT[T>C]CAGCAAGTGGACCTTTTGAAAGTCATGATCTTCTTCGGAAAGGGTATATGGGGGAGTTAT-3'
Protein context (NP_057016.1, residues 10-30): LKDSIPVTEL[Ser20Pro]ASGPFESHDL

ClinVar aggregate classification (germline): Uncertain significance (1 of 4 stars; one submission).

Allele frequency attached by ClinVar (database versions not stated): gnomAD exomes below 0.00001; gnomAD 0.00001.
gnomAD v4.1: 2 of 1,613,888 alleles (0.00012%); highest among the groups gnomAD compares: Admixed American, 0.0033%; no homozygotes.

Submission:

Labcorp Genetics (formerly Invitae), Labcorp
Classification: Uncertain significance. Last evaluated: 2025-09-06. Review status: criteria provided, single submitter. Criteria: Invitae Variant Classification Sherloc (09022015). Collection method: clinical testing. Allele origin: germline.
Comment: This sequence change replaces serine, which is neutral and polar, with proline, which is neutral and non-polar, at codon 20 of the POMP protein (p.Ser20Pro). This variant is present in population databases (no rsID available, gnomAD 0.006%). This variant has not been reported in the literature in individuals affected with POMP-related conditions. ClinVar contains an entry for this variant (Variation ID: 2974201). An algorithm developed to predict the effect of missense changes on protein structure and function (PolyPhen-2) suggests that this variant is likely to be tolerated. In summary, the available evidence is currently insufficient to determine the role of this variant in disease. Therefore, it has been classified as a Variant of Uncertain Significance.